The following is an entry in ClinVar:

NM_000245.4(MET):c.3423G>A (p.Ser1141=)

Gene: MET (MET proto-oncogene, receptor tyrosine kinase; plus strand). Cytogenetic location: 7q31.2.
Variant type: single nucleotide variant.
Coding change: c.3423G>A on transcript NM_000245.4 (MANE Select); coding-DNA position 3423, G replaced by A.
Protein change: p.Ser1141=; no amino-acid change (serine 1141 retained).
Molecular consequence: synonymous variant.
Genome position (GRCh38, 1-based): chr7:116,778,858, G>A. VCF-style: chr7-116778858-G-A. GRCh37 (hg19) VCF-style: chr7-116418912-G-A.
Other names: c.3477G>A, p.Ser1159= (NM_001127500.3); c.2133G>A, p.Ser711= (NM_001324402.2).
Identifiers: ClinVar variation 728335 (VCV000728335.12), dbSNP rs567551556, ClinGen allele CA4448720.
Genomic context (GRCh38, chr7:116,778,858, plus strand): 5'-TTCCCAATTTCTGACCGAGGGAATCATCATGAAAGATTTTAGTCATCCCAATGTCCTCTC[G>A]CTCCTGGGAATCTGCCTGCGAAGTGAAGGGTCTCCGCTGGTGGTCCTACCATACATGAAA-3'
Protein context (NP_000236.2, residues 1131-1151): MKDFSHPNVL[Ser1141=]LLGICLRSEG

ClinVar aggregate classification (germline): Benign/Likely benign. Review status: criteria provided, multiple submitters, no conflicts (2 of 4 stars). 3 submissions from 3 submitters: Benign (1); Likely benign (2). Last evaluated 2025-12-08.

Conditions:
Renal cell carcinoma. Identifiers: Orphanet 217071, MedGen C0007134, MeSH D002292, MONDO:0005086, HP:0005584.
Papillary renal cell carcinoma type 1 (RCCP1). Also called: Renal adenocarcinoma; Renal cell carcinoma 1; Renal cell carcinoma, somatic; RENAL CELL CARCINOMA, PAPILLARY, 1, SOMATIC. Identifiers: Orphanet 47044, MedGen C1336839, OMIM 605074, HP:0011797.
Hereditary cancer-predisposing syndrome. Also called: Hereditary neoplastic syndrome; Tumor predisposition; Hereditary Cancer Syndrome; Neoplastic Syndromes, Hereditary. Identifiers: Orphanet 140162, MedGen C0027672, MeSH D009386, MONDO:0015356.

Allele frequency attached by ClinVar (database versions not stated): TOPMed below 0.00001; gnomAD 0.00001 and 0.00002; gnomAD exomes 0.00001 and 0.00005; ExAC 0.00002; 1000 Genomes Project 0.00020; 1000 Genomes Project 30x 0.00031.
gnomAD v4.1: 69 of 1,614,000 alleles (0.0043%); highest among the groups gnomAD compares: Non-Finnish European, 0.0055%; no homozygotes.

Submissions (3):

Labcorp Genetics (formerly Invitae), Labcorp
Classification: Likely benign for Renal cell carcinoma. Last evaluated: 2025-12-08. Review status: criteria provided, single submitter. Criteria: Invitae Variant Classification Sherloc (09022015). Collection method: clinical testing. Allele origin: germline.

Myriad Genetics, Inc.
Classification: Benign for Papillary renal cell carcinoma type 1. Last evaluated: 2024-11-13. Review status: criteria provided, single submitter. Criteria: Myriad Autosomal Dominant, Autosomal Recessive and X-Linked Classification Criteria (2023). Collection method: clinical testing. Allele origin: unknown.
Comment: This variant is considered benign. This variant is a silent/synonymous amino acid change and it is not expected to impact splicing.

Ambry Genetics
Classification: Likely benign for Hereditary cancer-predisposing syndrome. Last evaluated: 2020-06-15. Review status: criteria provided, single submitter. Criteria: Ambry Variant Classification Scheme 2023. Collection method: clinical testing. Allele origin: germline.